The following is an entry in ClinVar:

NM_001242896.3(DEPDC5):c.2513G>A (p.Arg838Gln)

Gene: DEPDC5 (DEP domain containing 5, GATOR1 subcomplex subunit; plus strand). Cytogenetic location: 22q12.3.
Variant type: single nucleotide variant.
Coding change: c.2513G>A on transcript NM_001242896.3 (MANE Select); coding-DNA position 2513, G replaced by A.
Protein change: p.Arg838Gln; replaces arginine 838 with glutamine.
Molecular consequence: missense variant. On other transcripts: non-coding transcript variant (5).
Genome position (GRCh38, 1-based): chr22:31,838,843, G>A. VCF-style: chr22-31838843-G-A. GRCh37 (hg19) VCF-style: chr22-32234829-G-A.
Other names: c.2513G>A, p.Arg838Gln (NM_001364320.2, NM_001363852.2, NM_001364318.2); c.2429G>A, p.Arg810Gln (NM_001369901.1, NM_001369902.1); c.2486G>A, p.Arg829Gln (NM_001369903.1, NM_014662.6, NM_001136029.4); c.2279G>A, p.Arg760Gln (NM_001242897.2, NM_001363854.2, NM_001364319.2); short protein forms R760Q, R810Q, R829Q, R838Q.
Identifiers: ClinVar variation 1190035 (VCV001190035.28), dbSNP rs1486633691, ClinGen allele CA411287762.

ClinVar aggregate classification (germline): Uncertain significance. Review status: criteria provided, multiple submitters, no conflicts (2 of 4 stars). 3 submissions from 3 submitters: Uncertain significance (3). Last evaluated 2025-12-03.

Conditions:
Familial focal epilepsy with variable foci (FPEVF). Identifiers: Orphanet 98820, MedGen C1858477, MONDO:0020310.

Allele frequency attached by ClinVar (database versions not stated): gnomAD exomes below 0.00001; gnomAD 0.00001; TOPMed 0.00001.
gnomAD v4.1: 3 of 1,610,404 alleles (0.00019%); highest among the groups gnomAD compares: Admixed American, 0.0017%; no homozygotes.

Submissions (3):

Labcorp Genetics (formerly Invitae), Labcorp
Classification: Uncertain significance for Familial focal epilepsy with variable foci. Last evaluated: 2025-12-03. Review status: criteria provided, single submitter. Criteria: Invitae Variant Classification Sherloc (09022015). Collection method: clinical testing. Allele origin: germline.
Comment: This sequence change replaces arginine, which is basic and polar, with glutamine, which is neutral and polar, at codon 838 of the DEPDC5 protein (p.Arg838Gln). This variant is present in population databases (no rsID available, gnomAD 0.003%). This variant has not been reported in the literature in individuals affected with DEPDC5-related conditions. ClinVar contains an entry for this variant (Variation ID: 1190035). Experimental studies and prediction algorithms are not available or were not evaluated, and the functional significance of this variant is currently unknown. In summary, the available evidence is currently insufficient to determine the role of this variant in disease. Therefore, it has been classified as a Variant of Uncertain Significance.

CeGaT Center for Human Genetics Tuebingen
Classification: Uncertain significance. Last evaluated: 2023-05-01. Review status: criteria provided, single submitter. Criteria: CeGaT Center For Human Genetics Tuebingen Variant Classification Criteria Version 2. Collection method: clinical testing. Allele origin: germline. Affected: yes. Observed: 1 variant allele.
Comment: DEPDC5: PM2

GeneDx
Classification: Uncertain significance. Last evaluated: 2020-11-19. Review status: criteria provided, single submitter. Criteria: GeneDx Variant Classification Process June 2021. Collection method: clinical testing. Allele origin: germline. Affected: yes.
Comment: Not observed at a significant frequency in large population cohorts (Lek et al., 2016); In silico analysis, which includes protein predictors and evolutionary conservation, supports that this variant does not alter protein structure/function; Has not been previously published as pathogenic or benign to our knowledge